The following is an entry in ClinVar:

NM_001267550.2(TTN):c.103680G>C (p.Lys34560Asn)

Genes: TTN (titin; minus strand), TTN-AS1 (TTN antisense RNA 1; plus strand). Cytogenetic location: 2q31.2.
Variant type: single nucleotide variant.
Coding change: c.103680G>C on transcript NM_001267550.2 (MANE Select); coding-DNA position 103680, G replaced by C.
Protein change: p.Lys34560Asn; replaces lysine 34560 with asparagine.
Molecular consequence: missense variant.
Genome position (GRCh38, 1-based): chr2:178,532,935, C>G on the plus strand (G>C on the coding strand, the complement: TTN is on the minus strand). VCF-style: chr2-178532935-C-G. GRCh37 (hg19) VCF-style: chr2-179397662-C-G.
Other names: c.98757G>C, p.Lys32919Asn (NM_001256850.1); c.76485G>C, p.Lys25495Asn (NM_003319.4); c.95976G>C, p.Lys31992Asn (NM_133378.4); c.76860G>C, p.Lys25620Asn (NM_133432.3); c.77061G>C, p.Lys25687Asn (NM_133437.4); short protein forms K31992N, K32919N, K25687N, K34560N, K25495N, K25620N.
Identifiers: ClinVar variation 1373073 (VCV001373073.8), dbSNP rs778525620, ClinGen allele CA1985562.
Genomic context (GRCh38, chr2:178,532,935, plus strand): 5'-CATTTCATACTGATCACGTATCTTTTTATACCACTTCATGTCAGACATGGGCACGAACTG[C>G]TTGATGCGTTGGTCTTCTTCTATGGTAGTCTGCTTATACTTGCGTGGCTCTGGTACATCA-3'
Protein context (NP_001254479.2, residues 34550-34570): QTTIEEDQRI[Lys34560Asn]QFVPMSDMKW

ClinVar aggregate classification (germline): Uncertain significance (1 of 4 stars; one submission).

Conditions:
Dilated cardiomyopathy 1G (CMD1G). Identifiers: Orphanet 154, MedGen C1858763, MONDO:0011400, OMIM 604145.
Autosomal recessive limb-girdle muscular dystrophy type 2J (LGMDR10). Also called: Limb-girdle muscular dystrophy, type 2J; MUSCULAR DYSTROPHY, LIMB-GIRDLE, AUTOSOMAL RECESSIVE 10. Identifiers: Orphanet 140922, MedGen C1837342, MONDO:0012127, OMIM 608807.

Allele frequency attached by ClinVar (database versions not stated): ExAC 0.00001; gnomAD exomes 0.00001.
gnomAD v4.1: 23 of 1,613,904 alleles (0.0014%); highest among the groups gnomAD compares: Middle Eastern, 0.016%; no homozygotes.

Submission:

Labcorp Genetics (formerly Invitae), Labcorp
Classification: Uncertain significance for Dilated cardiomyopathy 1G; Autosomal recessive limb-girdle muscular dystrophy type 2J. Last evaluated: 2025-04-13. Review status: criteria provided, single submitter. Criteria: Invitae Variant Classification Sherloc (09022015). Collection method: clinical testing. Allele origin: germline.
Comment: This sequence change replaces lysine, which is basic and polar, with asparagine, which is neutral and polar, at codon 34560 of the TTN protein (p.Lys34560Asn). This variant is present in population databases (rs778525620, gnomAD 0.002%). This variant has not been reported in the literature in individuals affected with TTN-related conditions. ClinVar contains an entry for this variant (Variation ID: 1373073). Experimental studies and prediction algorithms are not available or were not evaluated, and the functional significance of this variant is currently unknown. This variant is located in the M band of TTN (PMID: 25589632). Non-truncating variants in this region may be relevant for neuromuscular disorders, but have not been definitively shown to cause cardiomyopathy (PMID: 23975875). In summary, the available evidence is currently insufficient to determine the role of this variant in disease. Therefore, it has been classified as a Variant of Uncertain Significance.

Literature cited by the submitters: PubMed 25589632; PubMed 23975875.